The following is an entry in ClinVar:

NM_015215.4(CAMTA1):c.3142C>T (p.Arg1048Ter)

Gene: CAMTA1 (calmodulin binding transcription activator 1; plus strand). Cytogenetic location: 1p36.23.
Variant type: single nucleotide variant.
Coding change: c.3142C>T on transcript NM_015215.4 (MANE Select); coding-DNA position 3142, C replaced by T.
Protein change: p.Arg1048Ter; replaces arginine 1048 with a stop codon.
Molecular consequence: nonsense.
Genome position (GRCh38, 1-based): chr1:7,736,419, C>T. VCF-style: chr1-7736419-C-T. GRCh37 (hg19) VCF-style: chr1-7796479-C-T.
Other names: c.214C>T, p.Arg72Ter (NM_001349621.1, NM_001349622.2, NM_001349623.1 and 10 more transcripts); c.3142C>T (NM_015215.3); c.3052C>T, p.Arg1018Ter (NM_001349608.2, NM_001349612.2); c.3142C>T, p.Arg1048Ter (NM_001349609.2, NM_001349610.2); c.271C>T, p.Arg91Ter (NM_001349613.1); short protein forms R1018*, R1048*, R72*, R91*.
Identifiers: ClinVar variation 1685599 (VCV001685599.3), dbSNP rs2149989087, ClinGen allele CA338122110.

ClinVar aggregate classification (germline): Pathogenic. Review status: criteria provided, multiple submitters, no conflicts (2 of 4 stars). 3 submissions from 3 submitters: Pathogenic (3). Last evaluated 2025-06-12.

Conditions:
Cerebellar dysfunction with variable cognitive and behavioral abnormalities (CECBA). Also called: Nonprogressive cerebellar atxia with intellectual disability. Identifiers: Orphanet 314647, MedGen C3553661, MONDO:0013886, OMIM 614756.

gnomAD v4.1: 1 of 1,613,984 alleles (0.000062%); highest among the groups gnomAD compares: Non-Finnish European, 0.000085%; no homozygotes.

Submissions (3):

Labcorp Genetics (formerly Invitae), Labcorp
Classification: Pathogenic. Last evaluated: 2025-06-12. Review status: criteria provided, single submitter. Criteria: Invitae Variant Classification Sherloc (09022015). Collection method: clinical testing. Allele origin: germline.
Comment: This sequence change creates a premature translational stop signal (p.Arg1048*) in the CAMTA1 gene. It is expected to result in an absent or disrupted protein product. Loss-of-function variants in CAMTA1 are known to be pathogenic (PMID: 22693284). This variant is not present in population databases (gnomAD no frequency). This variant has not been reported in the literature in individuals affected with CAMTA1-related conditions. ClinVar contains an entry for this variant (Variation ID: 1685599). For these reasons, this variant has been classified as Pathogenic.

GeneDx
Classification: Pathogenic. Last evaluated: 2024-10-08. Review status: criteria provided, single submitter. Criteria: GeneDx Variant Classification Process June 2021. Collection method: clinical testing. Allele origin: germline. Affected: yes.
Comment: Nonsense variant predicted to result in protein truncation or nonsense mediated decay in a gene for which loss of function is a known mechanism of disease; Not observed at significant frequency in large population cohorts (gnomAD); Has not been previously published as pathogenic or benign to our knowledge

Mendelics
Classification: Pathogenic for Cerebellar dysfunction with variable cognitive and behavioral abnormalities. Last evaluated: 2022-05-04. Review status: criteria provided, single submitter. Criteria: Mendelics Assertion Criteria 2019. Collection method: clinical testing. Allele origin: germline.

Literature cited by the submitters: PubMed 22693284 (cited by Labcorp Genetics (formerly Invitae), Labcorp).